The following is an entry in ClinVar:

ClinVar aggregate classification (germline): Likely benign. Review status: criteria provided, multiple submitters, no conflicts (2 of 4 stars). 3 submissions from 3 submitters: Likely benign (3). Last evaluated 2026-09-04.

Conditions:
MAP1B-related disorder. Also called: MAP1B-related condition.

Allele frequency attached by ClinVar (database versions not stated): gnomAD exomes 0.00003 and 0.00012; gnomAD 0.00005; ExAC 0.00008; TOPMed 0.00008.
gnomAD v4.1: 49 of 1,614,038 alleles (0.003%); highest among the groups gnomAD compares: Admixed American, 0.062%; no homozygotes.

Submissions (3):

PreventionGenetics, part of Exact Sciences
Classification: Likely benign for MAP1B-related condition. Last evaluated: 2026-09-04. Review status: criteria provided, single submitter. Criteria: ACMG Guidelines, 2015. Collection method: clinical testing. Allele origin: germline.
Comment: This variant is classified as likely benign based on ACMG/AMP sequence variant interpretation guidelines (Richards et al. 2015 PMID: 25741868, with internal and published modifications).

CeGaT Center for Human Genetics Tuebingen
Classification: Likely benign. Last evaluated: 2026-08-01. Review status: criteria provided, single submitter. Criteria: CeGaT Center For Human Genetics Tuebingen Variant Classification Criteria Version 2. Collection method: clinical testing. Allele origin: germline. Affected: yes. Observed: 1 variant allele.
Comment: MAP1B: BP4, BP7

Labcorp Genetics (formerly Invitae), Labcorp
Classification: Likely benign. Last evaluated: 2018-06-08. Review status: criteria provided, single submitter. Criteria: Invitae Variant Classification Sherloc (09022015). Collection method: clinical testing. Allele origin: germline.

NM_005909.5(MAP1B):c.2430G>A (p.Ala810=)

Gene: MAP1B (microtubule associated protein 1B; plus strand). Cytogenetic location: 5q13.2.
Variant type: single nucleotide variant.
Coding change: c.2430G>A on transcript NM_005909.5 (MANE Select); coding-DNA position 2430, G replaced by A.
Protein change: p.Ala810=; no amino-acid change (alanine 810 retained).
Molecular consequence: synonymous variant.
Genome position (GRCh38, 1-based): chr5:72,195,785, G>A. VCF-style: chr5-72195785-G-A. GRCh37 (hg19) VCF-style: chr5-71491612-G-A.
Other names: c.2052G>A, p.Ala684= (NM_001324255.2).
Identifiers: ClinVar variation 737774 (VCV000737774.5), dbSNP rs765757353, ClinGen allele CA3298827.
Genomic context (GRCh38, chr5:72,195,785, plus strand): 5'-GGCCGCAGAGGCTGTCGCTGCAGCTGTCGGCACTGGAGCCACCACAGCAGCTGTCATGGC[G>A]GCAGCTGGAATAGCAGCCATTGGCCCTGCCAAAGAACTCGAAGCTGAGAGGTCCCTTATG-3'
Protein context (NP_005900.2, residues 800-820): GTGATTAAVM[Ala810=]AAGIAAIGPA